The following is an entry in ClinVar:

NM_003839.4(TNFRSF11A):c.1460C>T (p.Thr487Met)

Gene: TNFRSF11A (TNF receptor superfamily member 11a; plus strand). Cytogenetic location: 18q21.33.
Variant type: single nucleotide variant.
Coding change: c.1460C>T on transcript NM_003839.4 (MANE Select); coding-DNA position 1460, C replaced by T.
Protein change: p.Thr487Met; replaces threonine 487 with methionine.
Molecular consequence: missense variant. On other transcripts: intron variant (3).
Genome position (GRCh38, 1-based): chr18:62,369,377, C>T. VCF-style: chr18-62369377-C-T. GRCh37 (hg19) VCF-style: chr18-60036610-C-T.
Other names: c.1418C>T, p.Thr473Met (NM_001278268.2); c.783+2617C>T (NM_001270949.2); c.730+7584C>T (NM_001270950.2); c.616+9328C>T (NM_001270951.2); short protein forms T473M, T487M.
Identifiers: ClinVar variation 1449037 (VCV001449037.6), dbSNP rs751561139, ClinGen allele CA8983972.

ClinVar aggregate classification (germline): Uncertain significance (1 of 4 stars; one submission).

Allele frequency attached by ClinVar (database versions not stated): gnomAD exomes below 0.00001 and 0.00001; TOPMed below 0.00001; ExAC 0.00001; gnomAD 0.00001.
gnomAD v4.1: 12 of 1,611,194 alleles (0.00074%); highest among the groups gnomAD compares: Admixed American, 0.012%; no homozygotes.

Submission:

Labcorp Genetics (formerly Invitae), Labcorp
Classification: Uncertain significance. Last evaluated: 2024-01-16. Review status: criteria provided, single submitter. Criteria: Invitae Variant Classification Sherloc (09022015). Collection method: clinical testing. Allele origin: germline.
Comment: This sequence change replaces threonine, which is neutral and polar, with methionine, which is neutral and non-polar, at codon 487 of the TNFRSF11A protein (p.Thr487Met). This variant is present in population databases (rs751561139, gnomAD 0.003%). This variant has not been reported in the literature in individuals affected with TNFRSF11A-related conditions. ClinVar contains an entry for this variant (Variation ID: 1449037). An algorithm developed to predict the effect of missense changes on protein structure and function (PolyPhen-2) suggests that this variant is likely to be tolerated. In summary, the available evidence is currently insufficient to determine the role of this variant in disease. Therefore, it has been classified as a Variant of Uncertain Significance.